The following is an entry in ClinVar:

ClinVar aggregate classification (germline): Likely pathogenic (1 of 4 stars; one submission).

Conditions:
Meckel-Gruber syndrome. Also called: DYSENCEPHALIA SPLANCHNOCYSTICA; GRUBER SYNDROME; Dysencephalia splachnocystica. Identifiers: Orphanet 564, MedGen C0265215, MONDO:0018921.
Joubert syndrome. Also called: CEREBELLOPARENCHYMAL DISORDER IV; JOUBERT-BOLTSHAUSER SYNDROME; Familial aplasia of the vermis. Identifiers: Orphanet 475, MedGen C5979921, MONDO:0018772.

Submission:

Labcorp Genetics (formerly Invitae), Labcorp
Classification: Likely pathogenic for Joubert syndrome; Meckel-Gruber syndrome. Last evaluated: 2022-07-06. Review status: criteria provided, single submitter. Criteria: Invitae Variant Classification Sherloc (09022015). Collection method: clinical testing. Allele origin: germline.
Comment: This variant disrupts the p.Leu696 amino acid residue in TMEM67. Other variant(s) that disrupt this residue have been determined to be pathogenic (Invitae). This suggests that this residue is clinically significant, and that variants that disrupt this residue are likely to be disease-causing. Algorithms developed to predict the effect of sequence changes on RNA splicing suggest that this variant may create or strengthen a splice site. Advanced modeling of protein sequence and biophysical properties (such as structural, functional, and spatial information, amino acid conservation, physicochemical variation, residue mobility, and thermodynamic stability) performed at Invitae indicates that this missense variant is expected to disrupt TMEM67 protein function. ClinVar contains an entry for this variant (Variation ID: 1474211). This variant has not been reported in the literature in individuals affected with TMEM67-related conditions. This variant is not present in population databases (gnomAD no frequency). This sequence change replaces leucine, which is neutral and non-polar, with valine, which is neutral and non-polar, at codon 696 of the TMEM67 protein (p.Leu696Val). In summary, the currently available evidence indicates that the variant is pathogenic, but additional data are needed to prove that conclusively. Therefore, this variant has been classified as Likely Pathogenic.

NM_153704.6(TMEM67):c.2086C>G (p.Leu696Val)

Gene: TMEM67 (transmembrane protein 67; plus strand). Cytogenetic location: 8q22.1.
Variant type: single nucleotide variant.
Coding change: c.2086C>G on transcript NM_153704.6 (MANE Select); coding-DNA position 2086, C replaced by G.
Protein change: p.Leu696Val; replaces leucine 696 with valine.
Molecular consequence: missense variant. On other transcripts: non-coding transcript variant (1).
Genome position (GRCh38, 1-based): chr8:93,797,456, C>G. VCF-style: chr8-93797456-C-G. GRCh37 (hg19) VCF-style: chr8-94809684-C-G.
Other names: c.1843C>G, p.Leu615Val (NM_001142301.1); short protein forms L615V, L696V.
Identifiers: ClinVar variation 1474211 (VCV001474211.6), dbSNP rs863225238, ClinGen allele CA371694097.